The following is an entry in ClinVar:

NM_004385.5(VCAN):c.1234C>T (p.Pro412Ser)

Gene: VCAN (versican; plus strand). Cytogenetic location: 5q14.3.
Variant type: single nucleotide variant.
Coding change: c.1234C>T on transcript NM_004385.5 (MANE Select); coding-DNA position 1234, C replaced by T.
Protein change: p.Pro412Ser; replaces proline 412 with serine.
Molecular consequence: missense variant. On other transcripts: intron variant (2).
Genome position (GRCh38, 1-based): chr5:83,519,540, C>T. VCF-style: chr5-83519540-C-T. GRCh37 (hg19) VCF-style: chr5-82815359-C-T.
Other names: c.1234C>T, p.Pro412Ser (NM_001164098.2); c.1042+7144C>T (NM_001164097.2, NM_001126336.3); short protein forms P412S.
Identifiers: ClinVar variation 1379918 (VCV001379918.6), dbSNP rs755170595, ClinGen allele CA3332633.
Genomic context (GRCh38, chr5:83,519,540, plus strand): 5'-CCAACAGAGTTCCCTCCCGTGGGAAATATTGTCAGTTTTGAACAGAAAGCCACAGTCCAA[C>T]CTCAGGCTATCACAGATAGTTTAGCCACCAAATTACCCACACCTACTGGCAGTACCAAGA-3'
Protein context (NP_004376.2, residues 402-422): VSFEQKATVQ[Pro412Ser]QAITDSLATK

ClinVar aggregate classification (germline): Uncertain significance (1 of 4 stars; one submission).

Allele frequency attached by ClinVar (database versions not stated): gnomAD exomes below 0.00001; ExAC 0.00001; gnomAD 0.00001.
gnomAD v4.1: 3 of 1,614,024 alleles (0.00019%); highest among the groups gnomAD compares: African/African-American, 0.0027%; no homozygotes.

Submission:

Labcorp Genetics (formerly Invitae), Labcorp
Classification: Uncertain significance. Last evaluated: 2021-09-30. Review status: criteria provided, single submitter. Criteria: Invitae Variant Classification Sherloc (09022015). Collection method: clinical testing. Allele origin: germline.
Comment: In summary, the available evidence is currently insufficient to determine the role of this variant in disease. Therefore, it has been classified as a Variant of Uncertain Significance. Algorithms developed to predict the effect of missense changes on protein structure and function output the following: SIFT: "Tolerated"; PolyPhen-2: "Benign"; Align-GVGD: "Class C0". The serine amino acid residue is found in multiple mammalian species, which suggests that this missense change does not adversely affect protein function. This variant has not been reported in the literature in individuals affected with VCAN-related conditions. This variant is present in population databases (rs755170595, ExAC 0.01%). This sequence change replaces proline with serine at codon 412 of the VCAN protein (p.Pro412Ser). The proline residue is moderately conserved and there is a moderate physicochemical difference between proline and serine.